The following is an entry in ClinVar:

ClinVar aggregate classification (germline): Uncertain significance. Review status: criteria provided, multiple submitters, no conflicts (2 of 4 stars). 2 submissions from 2 submitters: Uncertain significance (2). Last evaluated 2025-10-24.

Allele frequency attached by ClinVar (database versions not stated): TOPMed below 0.00001; gnomAD exomes 0.00002.
gnomAD v4.1: 30 of 1,613,626 alleles (0.0019%); highest among the groups gnomAD compares: Non-Finnish European, 0.0025%; no homozygotes.

Submissions (2):

Ambry Genetics
Classification: Uncertain significance. Last evaluated: 2025-10-24. Review status: criteria provided, single submitter. Criteria: Ambry Variant Classification Scheme 2023. Collection method: clinical testing. Allele origin: germline.

Labcorp Genetics (formerly Invitae), Labcorp
Classification: Uncertain significance. Last evaluated: 2024-11-05. Review status: criteria provided, single submitter. Criteria: Invitae Variant Classification Sherloc (09022015). Collection method: clinical testing. Allele origin: germline.
Comment: This sequence change replaces asparagine, which is neutral and polar, with lysine, which is basic and polar, at codon 142 of the CLCC1 protein (p.Asn142Lys). This variant is present in population databases (no rsID available, gnomAD 0.003%). This variant has not been reported in the literature in individuals affected with CLCC1-related conditions. ClinVar contains an entry for this variant (Variation ID: 2049118). An algorithm developed to predict the effect of missense changes on protein structure and function (PolyPhen-2) suggests that this variant is likely to be tolerated. In summary, the available evidence is currently insufficient to determine the role of this variant in disease. Therefore, it has been classified as a Variant of Uncertain Significance.

NM_001377458.1(CLCC1):c.426T>G (p.Asn142Lys)

Gene: CLCC1 (chloride channel CLIC like 1; minus strand). Cytogenetic location: 1p13.3.
Variant type: single nucleotide variant.
Coding change: c.426T>G on transcript NM_001377458.1 (MANE Select); coding-DNA position 426, T replaced by G.
Protein change: p.Asn142Lys; replaces asparagine 142 with lysine.
Molecular consequence: missense variant. On other transcripts: non-coding transcript variant (1), intron variant (3).
Genome position (GRCh38, 1-based): chr1:108,943,971, A>C on the plus strand (T>G on the coding strand, the complement: CLCC1 is on the minus strand). VCF-style: chr1-108943971-A-C. GRCh37 (hg19) VCF-style: chr1-109486593-A-C.
Other names: c.426T>G (NM_001048210.1); c.426T>G, p.Asn142Lys (NM_001048210.3, NM_001377459.1, NM_001377460.1 and 8 more transcripts); c.324T>G, p.Asn108Lys (NM_001377469.1); c.135T>G, p.Asn45Lys (NM_001377470.1); c.340-64T>G (NM_015127.5); c.340-2473T>G (NM_001278202.2); c.339+3640T>G (NM_001278203.1); short protein forms N108K, N142K, N45K.
Identifiers: ClinVar variation 2049118 (VCV002049118.4), dbSNP rs1198692267, ClinGen allele CA341464278.
Genomic context (GRCh38, chr1:108,943,971, plus strand): 5'-AAAATTAATTAAAATATCACTTAGTGCATCATCCAAGGCACCTGGTTTCCAGTCTTCTCC[A>C]TTGAGAAACTTCTGTATTTCTAACAAAGTTTCTCTTTTAAGGATAATCTCAGCATCATAA-3'
Protein context (NP_001364387.1, residues 132-152): ETLLEIQKFL[Asn142Lys]GEDWKPGALD